The following is an entry in ClinVar:

ClinVar aggregate classification (germline): Conflicting classifications of pathogenicity. Review status: criteria provided, conflicting classifications (1 of 4 stars). 2 submissions from 2 submitters: Uncertain significance (1); Likely benign (1). Last evaluated 2024-09-25.

Conditions:
Gorlin syndrome. Also called: Basal cell nevus syndrome; Nevoid Basal Cell Carcinoma Syndrome. Identifiers: Orphanet 377, MedGen C0004779, MONDO:0007187.
Hereditary cancer-predisposing syndrome. Also called: Neoplastic Syndromes, Hereditary; Tumor predisposition; Hereditary neoplastic syndrome; Hereditary Cancer Syndrome. Identifiers: Orphanet 140162, MedGen C0027672, MeSH D009386, MONDO:0015356.

Allele frequency attached by ClinVar (database versions not stated): gnomAD 0.00001; TOPMed 0.00001.
gnomAD v4.1: 2 of 1,613,614 alleles (0.00012%); highest among the groups gnomAD compares: Non-Finnish European, 0.000085%; no homozygotes.

Submissions (2):

Ambry Genetics
Classification: Uncertain significance for Hereditary cancer-predisposing syndrome. Last evaluated: 2024-09-25. Review status: criteria provided, single submitter. Criteria: Ambry Variant Classification Scheme 2023. Collection method: clinical testing. Allele origin: germline.
Comment: The p.C92F variant (also known as c.275G>T), located in coding exon 2 of the PTCH1 gene, results from a G to T substitution at nucleotide position 275. The cysteine at codon 92 is replaced by phenylalanine, an amino acid with highly dissimilar properties. This amino acid position is highly conserved in available vertebrate species. In addition, this alteration is predicted to be deleterious by in silico analysis. Since supporting evidence is limited at this time, the clinical significance of this alteration remains unclear.

Labcorp Genetics (formerly Invitae), Labcorp
Classification: Likely benign for Gorlin syndrome. Last evaluated: 2023-10-10. Review status: criteria provided, single submitter. Criteria: Invitae Variant Classification Sherloc (09022015). Collection method: clinical testing. Allele origin: germline.

NM_000264.5(PTCH1):c.275G>T (p.Cys92Phe)

Gene: PTCH1 (patched 1; minus strand). Cytogenetic location: 9q22.32.
Variant type: single nucleotide variant.
Coding change: c.275G>T on transcript NM_000264.5 (MANE Select); coding-DNA position 275, G replaced by T.
Protein change: p.Cys92Phe; replaces cysteine 92 with phenylalanine.
Molecular consequence: missense variant. On other transcripts: 5 prime UTR variant (4), non-coding transcript variant (1).
Genome position (GRCh38, 1-based): chr9:95,506,526, C>A on the plus strand (G>T on the coding strand, the complement: PTCH1 is on the minus strand). VCF-style: chr9-95506526-C-A. GRCh37 (hg19) VCF-style: chr9-98268808-C-A.
Other names: c.77G>T, p.Cys26Phe (NM_001083602.3, NM_001354919.2); c.272G>T, p.Cys91Phe (NM_001083603.3); c.-179G>T (NM_001083604.3, NM_001083605.3, NM_001083606.3 and 1 more transcripts); c.275G>T, p.Cys92Phe (NM_001354918.2); short protein forms C26F, C91F, C92F.
Identifiers: ClinVar variation 1795671 (VCV001795671.8), dbSNP rs1360279030, ClinGen allele CA374120403.
Genomic context (GRCh38, chr9:95,506,526, plus strand): 5'-AAGGCCCCAAATATGAGGAGGCCCACAACCAAGAACTTGCCGCAGTTTTTTTGAATGTAA[C>A]AACCCAGTTTAAATAAGAGTCTCTGAAACTTCGCTCTCAGCCACAGCGGCGCTTTCCGGC-3'
Protein context (NP_000255.2, residues 82-102): KFQRLLFKLG[Cys92Phe]YIQKNCGKFL